The following is an entry in ClinVar:

ClinVar aggregate classification (germline): Uncertain significance (1 of 4 stars; one submission).

Allele frequency attached by ClinVar (database versions not stated): ExAC 0.00002; gnomAD 0.00002; TOPMed 0.00002.
gnomAD v4.1: 13 of 1,612,296 alleles (0.00081%); highest among the groups gnomAD compares: African/African-American, 0.012%; no homozygotes.

Submission:

Labcorp Genetics (formerly Invitae), Labcorp
Classification: Uncertain significance. Last evaluated: 2022-05-12. Review status: criteria provided, single submitter. Criteria: Invitae Variant Classification Sherloc (09022015). Collection method: clinical testing. Allele origin: germline.
Comment: This sequence change replaces glycine, which is neutral and non-polar, with arginine, which is basic and polar, at codon 20 of the TYMP protein (p.Gly20Arg). This variant is present in population databases (rs746978436, gnomAD 0.03%). This variant has not been reported in the literature in individuals affected with TYMP-related conditions. Advanced modeling of protein sequence and biophysical properties (such as structural, functional, and spatial information, amino acid conservation, physicochemical variation, residue mobility, and thermodynamic stability) performed at Invitae indicates that this missense variant is not expected to disrupt TYMP protein function. Algorithms developed to predict the effect of sequence changes on RNA splicing suggest that this variant may create or strengthen a splice site. In summary, the available evidence is currently insufficient to determine the role of this variant in disease. Therefore, it has been classified as a Variant of Uncertain Significance.

NM_001953.5(TYMP):c.58G>A (p.Gly20Arg)

Gene: TYMP (thymidine phosphorylase; minus strand). Cytogenetic location: 22q13.33.
Variant type: single nucleotide variant.
Coding change: c.58G>A on transcript NM_001953.5 (MANE Select); coding-DNA position 58, G replaced by A.
Protein change: p.Gly20Arg; replaces glycine 20 with arginine.
Molecular consequence: missense variant.
Genome position (GRCh38, 1-based): chr22:50,529,652, C>T on the plus strand (G>A on the coding strand, the complement: TYMP is on the minus strand). VCF-style: chr22-50529652-C-T. GRCh37 (hg19) VCF-style: chr22-50968081-C-T.
Other names: c.58G>A, p.Gly20Arg (NM_001113755.3, NM_001113756.3, NM_001257988.1 and 1 more transcripts); short protein forms G20R.
Identifiers: ClinVar variation 2415332 (VCV002415332.3), dbSNP rs746978436, ClinGen allele CA10321887.